The following is an entry in ClinVar:

NM_000038.6(APC):c.3594A>G (p.Ser1198=)

Gene: APC (APC regulator of Wnt signaling pathway; plus strand). Cytogenetic location: 5q22.2.
Variant type: single nucleotide variant.
Coding change: c.3594A>G on transcript NM_000038.6 (MANE Select); coding-DNA position 3594, A replaced by G.
Protein change: p.Ser1198=; no amino-acid change (serine 1198 retained).
Molecular consequence: synonymous variant.
Genome position (GRCh38, 1-based): chr5:112,839,188, A>G. VCF-style: chr5-112839188-A-G. GRCh37 (hg19) VCF-style: chr5-112174885-A-G.
Other names: c.3594A>G, p.Ser1198= (NM_001127510.3, NM_001354895.2); c.3540A>G, p.Ser1180= (NM_001127511.3); c.3648A>G, p.Ser1216= (NM_001354896.2); c.3624A>G, p.Ser1208= (NM_001354897.2); c.3519A>G, p.Ser1173= (NM_001354898.2); c.3510A>G, p.Ser1170= (NM_001354899.2); c.3471A>G, p.Ser1157= (NM_001354900.2); c.3417A>G, p.Ser1139= (NM_001354901.2); and 5 more.
Identifiers: ClinVar variation 823967 (VCV000823967.4), dbSNP rs773494804, ClinGen allele CA035794.

ClinVar aggregate classification (germline): Benign/Likely benign. Review status: criteria provided, multiple submitters, no conflicts (2 of 4 stars). 2 submissions from 2 submitters: Benign (1); Likely benign (1). Last evaluated 2024-03-21.

Conditions:
Hereditary cancer-predisposing syndrome. Also called: Neoplastic Syndromes, Hereditary; Tumor predisposition; Hereditary neoplastic syndrome; Hereditary Cancer Syndrome. Identifiers: Orphanet 140162, MedGen C0027672, MeSH D009386, MONDO:0015356.
Familial adenomatous polyposis 1 (FAP1). Also called: POLYPOSIS, ADENOMATOUS INTESTINAL; FAMILIAL ADENOMATOUS POLYPOSIS 1, ATTENUATED. Identifiers: MedGen C2713442, MONDO:0021056, OMIM 175100. Disease mechanism: loss of function.

Allele frequency attached by ClinVar (database versions not stated): gnomAD exomes below 0.00001; ExAC 0.00001.
gnomAD v4.1: 2 of 1,614,140 alleles (0.00012%); highest among the groups gnomAD compares: South Asian, 0.0022%; no homozygotes.

Submissions (2):

Myriad Genetics, Inc.
Classification: Benign for Familial adenomatous polyposis 1. Last evaluated: 2024-03-21. Review status: criteria provided, single submitter. Criteria: Myriad Autosomal Dominant, Autosomal Recessive and X-Linked Classification Criteria (2023). Collection method: clinical testing. Allele origin: unknown.
Comment: This variant is considered benign. This variant is a silent/synonymous amino acid change and it is not expected to impact splicing.

Ambry Genetics
Classification: Likely benign for Hereditary cancer-predisposing syndrome. Last evaluated: 2019-05-31. Review status: criteria provided, single submitter. Criteria: Ambry Variant Classification Scheme 2023. Collection method: clinical testing. Allele origin: germline.